The following is an entry in ClinVar:

NM_152564.5(VPS13B):c.11492T>C (p.Val3831Ala)

Gene: VPS13B (vacuolar protein sorting 13 homolog B; plus strand). Cytogenetic location: 8q22.2.
Variant type: single nucleotide variant.
Coding change: c.11492T>C on transcript NM_152564.5 (MANE Select); coding-DNA position 11492, T replaced by C.
Protein change: p.Val3831Ala; replaces valine 3831 with alanine.
Molecular consequence: missense variant.
Genome position (GRCh38, 1-based): chr8:99,870,884, T>C. VCF-style: chr8-99870884-T-C. GRCh37 (hg19) VCF-style: chr8-100883112-T-C.
Other names: c.11567T>C, p.Val3856Ala (NM_017890.5); short protein forms V3831A, V3856A.
Identifiers: ClinVar variation 839091 (VCV000839091.2), dbSNP rs1563519728, ClinGen allele CA371793754.

ClinVar aggregate classification (germline): Uncertain significance (1 of 4 stars; one submission).

Conditions:
Cohen syndrome (COH1). Also called: Cutis verticis gyrata, retinitis pigmentosa, and sensorineural deafness; PEPPER SYNDROME. Identifiers: Orphanet 193, MedGen C0265223, MONDO:0008999, OMIM 216550.

gnomAD v4.1: 19 of 1,613,916 alleles (0.0012%); highest among the groups gnomAD compares: Non-Finnish European, 0.0015%; 1 homozygote.

Submission:

Labcorp Genetics (formerly Invitae), Labcorp
Classification: Uncertain significance for Cohen syndrome. Last evaluated: 2019-12-06. Review status: criteria provided, single submitter. Criteria: Invitae Variant Classification Sherloc (09022015). Collection method: clinical testing. Allele origin: germline.
Comment: This sequence change replaces valine with alanine at codon 3856 of the VPS13B protein (p.Val3856Ala). The valine residue is moderately conserved and there is a small physicochemical difference between valine and alanine. This variant is not present in population databases (ExAC no frequency). This variant has not been reported in the literature in individuals with VPS13B-related conditions. Algorithms developed to predict the effect of missense changes on protein structure and function are either unavailable or do not agree on the potential impact of this missense change (SIFT: Not Available; PolyPhen-2: Benign; Align-GVGD: Not Available). In summary, the available evidence is currently insufficient to determine the role of this variant in disease. Therefore, it has been classified as a Variant of Uncertain Significance.